The following is an entry in ClinVar:

NM_000875.5(IGF1R):c.992T>C (p.Val331Ala)

Genes: IGF1R (insulin like growth factor 1 receptor; plus strand), LOC126862245 (P300/CBP strongly-dependent group 1 enhancer GRCh37_chr15:99439536-99440735; plus strand). Cytogenetic location: 15q26.3.
Variant type: single nucleotide variant.
Coding change: c.992T>C on transcript NM_000875.5 (MANE Select); coding-DNA position 992, T replaced by C.
Protein change: p.Val331Ala; replaces valine 331 with alanine.
Molecular consequence: missense variant.
Genome position (GRCh38, 1-based): chr15:98,896,795, T>C. VCF-style: chr15-98896795-T-C. GRCh37 (hg19) VCF-style: chr15-99440024-T-C.
Other names: c.992T>C, p.Val331Ala (NM_001291858.2); short protein forms V331A.
Identifiers: ClinVar variation 3711906 (VCV003711906.2).

ClinVar aggregate classification (germline): Uncertain significance (1 of 4 stars; one submission).

gnomAD v4.1: 1 of 1,614,048 alleles (0.000062%); highest among the groups gnomAD compares: Non-Finnish European, 0.000085%; no homozygotes.

Submission:

Labcorp Genetics (formerly Invitae), Labcorp
Classification: Uncertain significance. Last evaluated: 2024-11-19. Review status: criteria provided, single submitter. Criteria: Invitae Variant Classification Sherloc (09022015). Collection method: clinical testing. Allele origin: germline.
Comment: This sequence change replaces valine, which is neutral and non-polar, with alanine, which is neutral and non-polar, at codon 331 of the IGF1R protein (p.Val331Ala). This variant is not present in population databases (gnomAD no frequency). This variant has not been reported in the literature in individuals affected with IGF1R-related conditions. Invitae Evidence Modeling of protein sequence and biophysical properties (such as structural, functional, and spatial information, amino acid conservation, physicochemical variation, residue mobility, and thermodynamic stability) indicates that this missense variant is not expected to disrupt IGF1R protein function with a negative predictive value of 80%. In summary, the available evidence is currently insufficient to determine the role of this variant in disease. Therefore, it has been classified as a Variant of Uncertain Significance.